The following is an entry in ClinVar:

NM_203447.4(DOCK8):c.236T>C (p.Leu79Pro)

Genes: DOCK8 (dedicator of cytokinesis 8; plus strand), LOC126860552 (BRD4-independent group 4 enhancer GRCh37_chr9:285795-286994; plus strand). Cytogenetic location: 9p24.3.
Variant type: single nucleotide variant.
Coding change: c.236T>C on transcript NM_203447.4 (MANE Select); coding-DNA position 236, T replaced by C.
Protein change: p.Leu79Pro; replaces leucine 79 with proline.
Molecular consequence: missense variant.
Genome position (GRCh38, 1-based): chr9:286,540, T>C. VCF-style: chr9-286540-T-C. GRCh37 (hg19) VCF-style: chr9-286540-T-C.
Other names: c.32T>C, p.Leu11Pro (NM_001190458.2, NM_001193536.2); short protein forms L11P, L79P.
Identifiers: ClinVar variation 1011554 (VCV001011554.6), dbSNP rs754852811, ClinGen allele CA4957140.

ClinVar aggregate classification (germline): Uncertain significance (1 of 4 stars; one submission).

Conditions:
Combined immunodeficiency due to DOCK8 deficiency (HIES2). Also called: Hyper-IgE recurrent infection syndrome, autosomal recessive; DOCK8 Deficiency; HIES autosomal recessive; HYPER-IgE RECURRENT INFECTION SYNDROME 2, AUTOSOMAL RECESSIVE; HYPER-IgE SYNDROME 2, AUTOSOMAL RECESSIVE, WITH RECURRENT INFECTIONS. Identifiers: Orphanet 217390, MedGen C4722305, MONDO:0009478, OMIM 243700.

Allele frequency attached by ClinVar (database versions not stated): ExAC 0.00001; gnomAD exomes 0.00001; TOPMed 0.00002.
gnomAD v4.1: 9 of 1,614,016 alleles (0.00056%); highest among the groups gnomAD compares: Admixed American, 0.0033%; no homozygotes.

Submission:

Labcorp Genetics (formerly Invitae), Labcorp
Classification: Uncertain significance for Combined immunodeficiency due to DOCK8 deficiency. Last evaluated: 2021-08-28. Review status: criteria provided, single submitter. Criteria: Invitae Variant Classification Sherloc (09022015). Collection method: clinical testing. Allele origin: germline.
Comment: This sequence change replaces leucine with proline at codon 79 of the DOCK8 protein (p.Leu79Pro). The leucine residue is moderately conserved and there is a moderate physicochemical difference between leucine and proline. This variant is present in population databases (rs754852811, ExAC 0.001%). This variant has not been reported in the literature in individuals affected with DOCK8-related conditions. Algorithms developed to predict the effect of missense changes on protein structure and function (SIFT, PolyPhen-2, Align-GVGD) all suggest that this variant is likely to be tolerated. In summary, the available evidence is currently insufficient to determine the role of this variant in disease. Therefore, it has been classified as a Variant of Uncertain Significance.